The following is an entry in ClinVar:

ClinVar aggregate classification (germline): Uncertain significance (1 of 4 stars; one submission).

Conditions:
Marfan syndrome (MFS). Also called: MARFAN SYNDROME, TYPE I; Marfan syndrome type 1; Marfan's syndrome; Marfan syndrome, classic; FBN1-Related Marfan Syndrome. Identifiers: Orphanet 284963, Orphanet 558, MedGen C0024796, MONDO:0007947, OMIM 154700.
Familial thoracic aortic aneurysm and aortic dissection (TAAD). Also called: Thoracic aortic aneurysms and dissections. Identifiers: Orphanet 91387, MedGen C4707243, MONDO:0019625.

Submission:

Labcorp Genetics (formerly Invitae), Labcorp
Classification: Uncertain significance for Marfan syndrome; Familial thoracic aortic aneurysm and aortic dissection. Last evaluated: 2024-10-04. Review status: criteria provided, single submitter. Criteria: Invitae Variant Classification Sherloc (09022015). Collection method: clinical testing. Allele origin: germline.
Comment: This sequence change replaces glycine, which is neutral and non-polar, with valine, which is neutral and non-polar, at codon 2677 of the FBN1 protein (p.Gly2677Val). This variant is not present in population databases (gnomAD no frequency). This variant has not been reported in the literature in individuals affected with FBN1-related conditions. Invitae Evidence Modeling of protein sequence and biophysical properties (such as structural, functional, and spatial information, amino acid conservation, physicochemical variation, residue mobility, and thermodynamic stability) indicates that this missense variant is expected to disrupt FBN1 protein function with a positive predictive value of 95%. In summary, the available evidence is currently insufficient to determine the role of this variant in disease. Therefore, it has been classified as a Variant of Uncertain Significance.

NM_000138.5(FBN1):c.8030G>T (p.Gly2677Val)

Gene: FBN1 (fibrillin 1; minus strand). Cytogenetic location: 15q21.1.
Variant type: single nucleotide variant.
Coding change: c.8030G>T on transcript NM_000138.5 (MANE Select); coding-DNA position 8030, G replaced by T.
Protein change: p.Gly2677Val; replaces glycine 2677 with valine.
Molecular consequence: missense variant.
Genome position (GRCh38, 1-based): chr15:48,415,557, C>A on the plus strand (G>T on the coding strand, the complement: FBN1 is on the minus strand). VCF-style: chr15-48415557-C-A. GRCh37 (hg19) VCF-style: chr15-48707754-C-A.
Other names: c.8030G>T, p.Gly2677Val (NM_001406716.1); short protein forms G2677V.
Identifiers: ClinVar variation 3754036 (VCV003754036.2).